The following is an entry in ClinVar:

ClinVar aggregate classification (germline): Uncertain significance (1 of 4 stars; one submission).

Conditions:
Hypertrophic cardiomyopathy. Also called: HYPERTROPHIC MYOCARDIOPATHY. Identifiers: Orphanet 217569, MedGen C0007194, MeSH D002312, MONDO:0005045, HP:0001639.

Submission:

Labcorp Genetics (formerly Invitae), Labcorp
Classification: Uncertain significance for Hypertrophic cardiomyopathy. Last evaluated: 2023-02-16. Review status: criteria provided, single submitter. Criteria: Invitae Variant Classification Sherloc (09022015). Collection method: clinical testing. Allele origin: germline.
Comment: This variant is not present in population databases (gnomAD no frequency). This sequence change replaces lysine, which is basic and polar, with asparagine, which is neutral and polar, at codon 639 of the MYH7 protein (p.Lys639Asn). This variant has not been reported in the literature in individuals affected with MYH7-related conditions. In summary, the available evidence is currently insufficient to determine the role of this variant in disease. Therefore, it has been classified as a Variant of Uncertain Significance. Advanced modeling of protein sequence and biophysical properties (such as structural, functional, and spatial information, amino acid conservation, physicochemical variation, residue mobility, and thermodynamic stability) performed at Invitae indicates that this missense variant is expected to disrupt MYH7 protein function.

NM_000257.4(MYH7):c.1917G>C (p.Lys639Asn)

Gene: MYH7 (myosin heavy chain 7; minus strand). Cytogenetic location: 14q11.2.
Variant type: single nucleotide variant.
Coding change: c.1917G>C on transcript NM_000257.4 (MANE Select); coding-DNA position 1917, G replaced by C.
Protein change: p.Lys639Asn; replaces lysine 639 with asparagine.
Molecular consequence: missense variant.
Genome position (GRCh38, 1-based): chr14:23,427,279, C>G on the plus strand (G>C on the coding strand, the complement: MYH7 is on the minus strand). VCF-style: chr14-23427279-C-G. GRCh37 (hg19) VCF-style: chr14-23896488-C-G.
Other names: c.1917G>C, p.Lys639Asn (NM_001407004.1); short protein forms K639N.
Identifiers: ClinVar variation 2838023 (VCV002838023.3), dbSNP rs1057523883, ClinGen allele CA389049540.